The following is an entry in ClinVar:

ClinVar aggregate classification (germline): Uncertain significance. Review status: criteria provided, multiple submitters, no conflicts (2 of 4 stars). 2 submissions from 2 submitters: Uncertain significance (2). Last evaluated 2023-12-04.

Conditions:
Cardiomyopathy (CMYO). Also called: Cardiomyopathies. Identifiers: Orphanet 167848, MedGen C0878544, MONDO:0004994, HP:0001638. Inheritance: Various modes of inheritance.

Submissions (2):

Color Diagnostics, LLC DBA Color Health
Classification: Uncertain significance for Cardiomyopathy. Last evaluated: 2023-12-04. Review status: criteria provided, single submitter. Criteria: ACMG Guidelines, 2015. Collection method: clinical testing. Allele origin: germline.
Comment: Variant of Uncertain Significance due to insufficient evidence: This missense variant replaces isoleucine with valine at codon 2631 of the DSP protein. Computational prediction tools and conservation analyses are inconclusive regarding the impact of this variant on the protein function. Computational splicing tools suggest that this variant may not impact RNA splicing. To our knowledge, functional assays have not been performed for this variant nor has this variant been reported in individuals affected with cardiovascular disorders in the literature. This variant is rare in the general population and has been identified in 0/277264 chromosomes by the Genome Aggregation Database (gnomAD). Available evidence is insufficient to determine the role of this variant in disease conclusively.

GeneDx
Classification: Uncertain significance. Last evaluated: 2022-06-01. Review status: criteria provided, single submitter. Criteria: GeneDx Variant Classification Process June 2021. Collection method: clinical testing. Allele origin: germline. Affected: yes.
Comment: Has not been previously published as pathogenic or benign to our knowledge; Not observed at significant frequency in large population cohorts (gnomAD); In silico analysis supports that this missense variant does not alter protein structure/function

NM_004415.4(DSP):c.7891A>G (p.Ile2631Val)

Gene: DSP (desmoplakin; plus strand). Cytogenetic location: 6p24.3.
Variant type: single nucleotide variant.
Coding change: c.7891A>G on transcript NM_004415.4 (MANE Select); coding-DNA position 7891, A replaced by G.
Protein change: p.Ile2631Val; replaces isoleucine 2631 with valine.
Molecular consequence: missense variant.
Genome position (GRCh38, 1-based): chr6:7,585,153, A>G. VCF-style: chr6-7585153-A-G. GRCh37 (hg19) VCF-style: chr6-7585386-A-G.
Other names: c.6094A>G, p.Ile2032Val (NM_001008844.3); c.6562A>G, p.Ile2188Val (NM_001319034.2); short protein forms I2188V, I2032V, I2631V.
Identifiers: ClinVar variation 926585 (VCV000926585.6), dbSNP rs1759604036, ClinGen allele CA362694003.
Genomic context (GRCh38, chr6:7,585,153, plus strand): 5'-GACACCCTGGAAGAATCGAGCCCCATTGCAGCCATCTTTGACACAGAAAACCTGGAGAAA[A>G]TCTCCATTACAGAAGGTATAGAGCGGGGCATCGTTGACAGCATCACGGGTCAGAGGCTTC-3'
Protein context (NP_004406.2, residues 2621-2641): AIFDTENLEK[Ile2631Val]SITEGIERGI